The following is an entry in ClinVar:

NM_003737.4(DCHS1):c.7219G>A (p.Ala2407Thr)

Gene: DCHS1 (dachsous cadherin-related 1; minus strand). Cytogenetic location: 11p15.4.
Variant type: single nucleotide variant.
Coding change: c.7219G>A on transcript NM_003737.4 (MANE Select); coding-DNA position 7219, G replaced by A.
Protein change: p.Ala2407Thr; replaces alanine 2407 with threonine.
Molecular consequence: missense variant.
Genome position (GRCh38, 1-based): chr11:6,624,796, C>T on the plus strand (G>A on the coding strand, the complement: DCHS1 is on the minus strand). VCF-style: chr11-6624796-C-T. GRCh37 (hg19) VCF-style: chr11-6646027-C-T.
Other names: short protein forms A2407T.
Identifiers: ClinVar variation 4739971 (VCV004739971.1).

ClinVar aggregate classification (germline): Uncertain significance (1 of 4 stars; one submission).

Submission:

Labcorp Genetics (formerly Invitae), Labcorp
Classification: Uncertain significance. Last evaluated: 2025-06-12. Review status: criteria provided, single submitter. Criteria: Invitae Variant Classification Sherloc (09022015). Collection method: clinical testing. Allele origin: germline.
Comment: This sequence change replaces alanine, which is neutral and non-polar, with threonine, which is neutral and polar, at codon 2407 of the DCHS1 protein (p.Ala2407Thr). This variant is not present in population databases (gnomAD no frequency). This variant has not been reported in the literature in individuals affected with DCHS1-related conditions. Invitae Evidence Modeling of protein sequence and biophysical properties (such as structural, functional, and spatial information, amino acid conservation, physicochemical variation, residue mobility, and thermodynamic stability) indicates that this missense variant is not expected to disrupt DCHS1 protein function with a negative predictive value of 80%. In summary, the available evidence is currently insufficient to determine the role of this variant in disease. Therefore, it has been classified as a Variant of Uncertain Significance.